The following is an entry in ClinVar:

ClinVar aggregate classification (germline): Uncertain significance. Review status: criteria provided, multiple submitters, no conflicts (2 of 4 stars). 7 submissions from 7 submitters: Uncertain significance (6). 1 of the submissions does not count toward it. Last evaluated 2025-09-26.

Conditions:
Alstrom syndrome (ALMS). Identifiers: Orphanet 64, MedGen C0268425, MONDO:0008763, OMIM 203800.
Cardiovascular phenotype. Identifiers: MedGen CN230736.

Allele frequency attached by ClinVar (database versions not stated): gnomAD 0.00005; gnomAD exomes 0.00002 and 0.00010; ExAC 0.00003; ESP Exome Variant Server 0.00017; TOPMed 0.00004.
gnomAD v4.1: 150 of 1,613,762 alleles (0.0093%); highest among the groups gnomAD compares: Non-Finnish European, 0.012%; no homozygotes.

Submissions (7):

Ambry Genetics
Classification: Uncertain significance for Cardiovascular phenotype. Last evaluated: 2025-09-26. Review status: criteria provided, single submitter. Criteria: Ambry Variant Classification Scheme 2023. Collection method: clinical testing. Allele origin: germline.
Comment: The p.K2101I variant (also known as c.6302A>T), located in coding exon 8 of the ALMS1 gene, results from an A to T substitution at nucleotide position 6302. The lysine at codon 2101 is replaced by isoleucine, an amino acid with dissimilar properties. This amino acid position is well conserved in available vertebrate species. In addition, this alteration is predicted to be tolerated by in silico analysis. Since supporting evidence is limited at this time, the clinical significance of this alteration remains unclear.

GeneDx
Classification: Uncertain significance. Last evaluated: 2025-07-17. Review status: criteria provided, single submitter. Criteria: GeneDx Variant Classification Process June 2021. Collection method: clinical testing. Allele origin: germline. Affected: yes.
Comment: Not observed at significant frequency in large population cohorts (gnomAD); In silico analysis supports that this missense variant has a deleterious effect on protein structure/function; Has not been previously published as pathogenic or benign to our knowledge

Labcorp Genetics (formerly Invitae), Labcorp
Classification: Uncertain significance for Alstrom syndrome. Last evaluated: 2022-08-18. Review status: criteria provided, single submitter. Criteria: Invitae Variant Classification Sherloc (09022015). Collection method: clinical testing. Allele origin: germline.
Comment: This sequence change replaces lysine, which is basic and polar, with isoleucine, which is neutral and non-polar, at codon 2101 of the ALMS1 protein (p.Lys2101Ile). This variant is present in population databases (rs373286582, gnomAD 0.005%). This variant has not been reported in the literature in individuals affected with ALMS1-related conditions. ClinVar contains an entry for this variant (Variation ID: 403933). Algorithms developed to predict the effect of missense changes on protein structure and function output the following: SIFT: "Not Available"; PolyPhen-2: "Not Available"; Align-GVGD: "Not Available". The isoleucine amino acid residue is found in multiple mammalian species, which suggests that this missense change does not adversely affect protein function. In summary, the available evidence is currently insufficient to determine the role of this variant in disease. Therefore, it has been classified as a Variant of Uncertain Significance.

Clinical Genomics Laboratory, Stanford Medicine
Classification: Uncertain significance for Alstrom syndrome. Last evaluated: 2021-07-02. Review status: criteria provided, single submitter. Criteria: ACMG Guidelines, 2015. Collection method: clinical testing. Allele origin: germline. Affected: yes. Observed: 1 heterozygote.
Comment: The p.Lys2101Ile variant (also referred to as p.Lys2099Ile) in the ALMS1gene has not been previously reported in association with disease. This variant has been identified in 5/112,154 European chromosomes by the Genome Aggregation Database.•Computational tools predict that this variant does not impact protein function; however, the accuracy of in silico algorithms is limited. These data were assessed using the ACMG/AMP variant interpretation guidelines. In summary, the significance of the p.Lys2101Ile variant is uncertain. Additional information is needed to resolve the significance of this variant.[ACMG evidence codes used: PM2; BP4]

Women's Health and Genetics/Laboratory Corporation of America, LabCorp
Classification: Uncertain significance. Last evaluated: 2017-03-13. Review status: criteria provided, single submitter. Criteria: LabCorp Variant Classification Summary - May 2015. Collection method: clinical testing. Allele origin: germline.
Comment: Variant summary: The ALMS1 c.6296A>T (p.Lys2099Ile, alternative name c.6302A>T) variant involves the alteration of a non-conserved nucleotide and is predicted to be benign by 4/5 in silico tools. This variant was found in 4/118064 control chromosomes from ExAC, only observed in the European (Non-Finnish) subpopulation at a frequency of 0.000062 (4/65004). This frequency is lower than the estimated maximal expected allele frequency of a pathogenic ALMS1 variant (0.0022361). The variant of interest has not, to our knowledge, been reported in affected individuals via publications and/or reputable databases/clinical diagnostic laboratories; nor evaluated for functional impact by in vivo/vitro studies. Because of the absence of clinical information and the lack of functional studies, the variant is classified as a variant of uncertain significance (VUS) until additional information becomes available.

Stanford Center for Inherited Cardiovascular Disease, Stanford University
Classification: Uncertain significance. Last evaluated: 2016-10-12. Review status: criteria provided, single submitter. Criteria: ACMG Guidelines, 2015. Collection method: provider interpretation. Allele origin: germline.

Natera, Inc.
Classification: Uncertain significance for Alstrom syndrome. Last evaluated: 2020-09-16. Review status: no assertion criteria provided. Collection method: clinical testing. Allele origin: germline. Not counted in ClinVar's aggregate classification.

NM_001378454.1(ALMS1):c.6299A>T (p.Lys2100Ile)

Gene: ALMS1 (ALMS1 centrosome and basal body associated protein; plus strand). Cytogenetic location: 2p13.1.
Variant type: single nucleotide variant.
Coding change: c.6299A>T on transcript NM_001378454.1 (MANE Select); coding-DNA position 6299, A replaced by T.
Protein change: p.Lys2100Ile; replaces lysine 2100 with isoleucine.
Molecular consequence: missense variant.
Genome position (GRCh38, 1-based): chr2:73,452,826, A>T. VCF-style: chr2-73452826-A-T. GRCh37 (hg19) VCF-style: chr2-73679953-A-T.
Other names: p.Lys2101Ile; c.6302A>T, p.Lys2101Ile (NM_015120.4); short protein forms K2101I, K2100I.
Identifiers: ClinVar variation 403933 (VCV000403933.12), dbSNP rs373286582, ClinGen allele CA1714041.